The following is an entry in ClinVar:

NM_000487.6(ARSA):c.656G>A (p.Arg219His)

Gene: ARSA (arylsulfatase A; minus strand). Cytogenetic location: 22q13.33.
Variant type: single nucleotide variant.
Coding change: c.656G>A on transcript NM_000487.6 (MANE Select); coding-DNA position 656, G replaced by A.
Protein change: p.Arg219His; replaces arginine 219 with histidine.
Molecular consequence: missense variant.
Genome position (GRCh38, 1-based): chr22:50,626,862, C>T on the plus strand (G>A on the coding strand, the complement: ARSA is on the minus strand). VCF-style: chr22-50626862-C-T. GRCh37 (hg19) VCF-style: chr22-51065290-C-T.
Other names: c.656G>A, p.Arg219His (NM_001085425.3, NM_001085426.3, NM_001085427.3); c.398G>A, p.Arg133His (NM_001085428.3, NM_001362782.2); short protein forms R219H, R133H.
Identifiers: ClinVar variation 196276 (VCV000196276.12), dbSNP rs148403406, ClinGen allele CA243177.

ClinVar aggregate classification (germline): Uncertain significance. Review status: criteria provided, multiple submitters, no conflicts (2 of 4 stars). 4 submissions from 4 submitters: Uncertain significance (4). Last evaluated 2025-10-29.

Conditions:
Metachromatic leukodystrophy (MLD). Also called: METACHROMATIC LEUKOENCEPHALOPATHY; ARSA DEFICIENCY; CEREBROSIDE SULFATASE DEFICIENCY; Cerebral sclerosis diffuse metachromatic form; Arylsulfatase A Deficiency; SULFATIDE LIPIDOSIS. Identifiers: Orphanet 512, MedGen C0023522, MONDO:0018868, OMIM 250100.

Allele frequency attached by ClinVar (database versions not stated): gnomAD exomes 0.00002 and 0.00006; ExAC 0.00007; 1000 Genomes Project 30x 0.00016; gnomAD 0.00019 and 0.00021; 1000 Genomes Project 0.00020; TOPMed 0.00021; ESP Exome Variant Server 0.00038.

Submissions (4):

Women's Health and Genetics/Laboratory Corporation of America, LabCorp
Classification: Uncertain significance. Last evaluated: 2025-10-29. Review status: criteria provided, single submitter. Criteria: LabCorp Variant Classification Summary - May 2015. Collection method: clinical testing. Allele origin: germline.
Comment: Variant summary: ARSA c.656G>A (p.Arg219His) results in a non-conservative amino acid change in the encoded protein sequence. Algorithms developed to predict the effect of missense changes on protein structure and function all suggest that this variant is likely to be disruptive. The variant allele was found at a frequency of 5.6e-05 in 250704 control chromosomes. This frequency is not significantly higher than estimated for disease-causing variants in ARSA, allowing no conclusion about variant significance. c.656G>A has been reported in the literature as a complex allele in cis with c.1108C>T (p.Arg370Trp) (also known as c.1114C>T, p.Arg372Trp) in at-least one individual with Metachromatic Leukodystrophy (MLD) who harbored c.1108C>T in isolation on the other allele (Grossi_2008). To our knowledge, this variant has not been reported in isolation in individuals affected with MLD. Therefore, these report(s) do not provide unequivocal conclusions about association of the variant with Metachromatic Leukodystrophy. Co-occurrences with other pathogenic variant(s) in the homozygous state have been reported (ARSA c.1114C>T, p.Arg372Trp), providing supporting evidence for a benign role. At least one publication reports experimental evidence evaluating an impact of this variant in isolation on protein function (example, Grossi_2008, Trinidad_2023). The most pronounced variant effect results in 15.6% of normal ARSA enzyme activity in-vitro in transfected COS-7 cells. The following publications have been ascertained in the context of this evaluation (PMID: 26462614, 18693274, 37381728, 18786133, 40055237, 34531044, 37480112). ClinVar contains an entry for this variant (Variation ID: 196276). Based on the evidence outlined above, the variant was classified as uncertain significance.

Myriad Genetics, Inc.
Classification: Uncertain significance for Metachromatic leukodystrophy. Last evaluated: 2025-10-03. Review status: criteria provided, single submitter. Criteria: Myriad Autosomal Dominant, Autosomal Recessive and X-Linked Classification Criteria (2023). Collection method: clinical testing. Allele origin: unknown.
Comment: NM_000487.5(ARSA):c.656G>A(R219H) is a missense variant classified as a variant of uncertain significance in the context of metachromatic leukodystrophy. R219H has been observed in a case with relevant disease (PMID: 18693274). Relevant functional assessments of this variant are available in the literature (PMID: 18693274). R219H has been observed in referenced population frequency databases. In summary, there is insufficient evidence to classify NM_000487.5(ARSA):c.656G>A(R219H) as pathogenic or benign. Please note: this variant was assessed in the context of healthy population screening.

Labcorp Genetics (formerly Invitae), Labcorp
Classification: Uncertain significance for Metachromatic leukodystrophy. Last evaluated: 2022-08-09. Review status: criteria provided, single submitter. Criteria: Invitae Variant Classification Sherloc (09022015). Collection method: clinical testing. Allele origin: germline.
Comment: This sequence change replaces arginine, which is basic and polar, with histidine, which is basic and polar, at codon 219 of the ARSA protein (p.Arg219His). This variant is present in population databases (rs148403406, gnomAD 0.07%). This missense change has been observed in individual(s) with metachromatic leukodystrophy (PMID: 18693274). This variant is also known as p.R217H. ClinVar contains an entry for this variant (Variation ID: 196276). Algorithms developed to predict the effect of missense changes on protein structure and function (SIFT, PolyPhen-2, Align-GVGD) all suggest that this variant is likely to be tolerated. Experimental studies have shown that this missense change affects ARSA function (PMID: 18693274). In summary, the available evidence is currently insufficient to determine the role of this variant in disease. Therefore, it has been classified as a Variant of Uncertain Significance.

Eurofins Ntd Llc (ga)
Classification: Uncertain significance. Last evaluated: 2015-05-26. Review status: criteria provided, single submitter. Criteria: EGL Classification Definitions 2015. Collection method: clinical testing. Allele origin: germline. Observed: 1 variant allele, 1 heterozygote.

Literature cited by the submitters: PubMed 18693274 (cited by 3 submitters); PubMed 26462614 (cited by Women's Health and Genetics/Laboratory Corporation of America, LabCorp); PubMed 18786133 (cited by Women's Health and Genetics/Laboratory Corporation of America, LabCorp); PubMed 37480112 (cited by Women's Health and Genetics/Laboratory Corporation of America, LabCorp); PubMed 37381728 (cited by Women's Health and Genetics/Laboratory Corporation of America, LabCorp); PubMed 40055237 (cited by Women's Health and Genetics/Laboratory Corporation of America, LabCorp); PubMed 34531044 (cited by Women's Health and Genetics/Laboratory Corporation of America, LabCorp).